The following is an entry in ClinVar:

NM_001009944.3(PKD1):c.10922C>T (p.Ala3641Val)

Genes: PKD1 (polycystin 1, transient receptor potential channel interacting; minus strand), PKD1-AS1 (PKD1 antisense RNA 1; plus strand). Cytogenetic location: 16p13.3.
Variant type: single nucleotide variant.
Coding change: c.10922C>T on transcript NM_001009944.3 (MANE Select); coding-DNA position 10922, C replaced by T.
Protein change: p.Ala3641Val; replaces alanine 3641 with valine.
Molecular consequence: missense variant.
Genome position (GRCh38, 1-based): chr16:2,093,638, G>A on the plus strand (C>T on the coding strand, the complement: PKD1 is on the minus strand). VCF-style: chr16-2093638-G-A. GRCh37 (hg19) VCF-style: chr16-2143639-G-A.
Other names: c.10919C>T, p.Ala3640Val (NM_000296.4); short protein forms A3641V, A3640V.
Identifiers: ClinVar variation 1030950 (VCV001030950.1), dbSNP rs2091707606, ClinGen allele CA394338861.

ClinVar aggregate classification (germline): Uncertain significance (1 of 4 stars; one submission).

Conditions:
Polycystic kidney disease, adult type (PKD1). Also called: POLYCYSTIC KIDNEY DISEASE 1 WITH OR WITHOUT POLYCYSTIC LIVER DISEASE; POLYCYSTIC KIDNEY DISEASE, ADULT, TYPE I; Polycystic Kidney Disease 1, Autosomal Dominant; Polycystic kidney disease 1; Polycystic kidney disease 1, severe; Polycystic Kidney, Autosomal Dominant. Identifiers: MedGen C3149841, MONDO:0008263, OMIM 173900.

Allele frequency attached by ClinVar (database versions not stated): gnomAD exomes below 0.00001.
gnomAD v4.1: 2 of 1,609,390 alleles (0.00012%); highest among the groups gnomAD compares: Non-Finnish European, 0.00017%; no homozygotes.

Submission:

Baylor Genetics
Classification: Uncertain significance for Polycystic kidney disease, adult type. Last evaluated: 2020-10-07. Review status: criteria provided, single submitter. Criteria: ACMG Guidelines, 2015. Collection method: clinical testing. Allele origin: unknown. Affected: yes.
Comment: This variant was determined to be of uncertain significance according to ACMG Guidelines, 2015 [PMID:25741868].